The following is an entry in ClinVar:

NM_175914.5(HNF4A):c.999C>T (p.Ile333=)

Gene: HNF4A (hepatocyte nuclear factor 4 alpha; plus strand). Cytogenetic location: 20q13.12.
Variant type: single nucleotide variant.
Coding change: c.999C>T on transcript NM_175914.5 (MANE Select); coding-DNA position 999, C replaced by T.
Protein change: p.Ile333=; no amino-acid change (isoleucine 333 retained).
Molecular consequence: synonymous variant.
Genome position (GRCh38, 1-based): chr20:44,424,190, C>T. VCF-style: chr20-44424190-C-T. GRCh37 (hg19) VCF-style: chr20-43052830-C-T.
Other names: c.1065C>T (NM_000457.5); c.1065C>T, p.Ile355= (NM_000457.6, NM_178849.3, NM_178850.3); c.999C>T, p.Ile333= (NM_001030003.3, NM_001030004.3); c.1044C>T, p.Ile348= (NM_001258355.2); c.990C>T, p.Ile330= (NM_001287182.2, NM_001287183.2, NM_001287184.2).
Identifiers: ClinVar variation 744325 (VCV000744325.18), dbSNP rs150247632, ClinGen allele CA9870422.

ClinVar aggregate classification (germline): Benign/Likely benign. Review status: criteria provided, multiple submitters, no conflicts (2 of 4 stars). 8 submissions from 8 submitters: Benign (3); Likely benign (3). 2 of the submissions do not count toward it. Last evaluated 2026-01-25.

Conditions:
HNF4A-related disorder. Also called: HNF4A-related condition.
Maturity-onset diabetes of the young (MODY). Also called: Maturity onset diabetes mellitus in young. Identifiers: Orphanet 552, MedGen C0342276, MONDO:0018911, HP:0004904.
Type 2 diabetes mellitus. Also called: Type II diabetes mellitus. Identifiers: MedGen C0011860, MeSH D003924, MONDO:0005148, OMIM 125853, HP:0005978.
Maturity-onset diabetes of the young type 1. Also called: MODY type 1; Diabetes mellitus MODY type 1; MODY HNF4A related; HNF4A-Related Maturity-Onset Diabetes of the Young Type 1; MODY, type I; MILD JUVENILE DIABETES MELLITUS. Identifiers: Orphanet 552, MedGen C1852093, MONDO:0007452, OMIM 125850. Disease mechanism: loss of function.
Fanconi renotubular syndrome 4 with maturity-onset diabetes of the young (FRTS4). Also called: FRTS4 WITH MODY. Identifiers: Orphanet 93111, MedGen C4014962, MONDO:0014458, OMIM 616026.

Allele frequency attached by ClinVar (database versions not stated): TOPMed 0.00072; 1000 Genomes Project 30x 0.00016; 1000 Genomes Project 0.00020; gnomAD 0.00045; ESP Exome Variant Server 0.00069.
gnomAD v4.1: 144 of 1,614,050 alleles (0.0089%); highest among the groups gnomAD compares: African/African-American, 0.17%; 1 homozygote.

Submissions (8):

Labcorp Genetics (formerly Invitae), Labcorp
Classification: Benign. Last evaluated: 2026-01-25. Review status: criteria provided, single submitter. Criteria: Invitae Variant Classification Sherloc (09022015). Collection method: clinical testing. Allele origin: germline.

Fulgent Genetics
Classification: Likely benign for Maturity-onset diabetes of the young type 1; Type 2 diabetes mellitus; Fanconi renotubular syndrome 4 with maturity-onset diabetes of the young. Last evaluated: 2021-08-31. Review status: criteria provided, single submitter. Criteria: ACMG Guidelines, 2015. Collection method: clinical testing. Allele origin: unknown.

Athena Diagnostics
Classification: Benign. Last evaluated: 2019-05-16. Review status: criteria provided, single submitter. Criteria: Athena Diagnostics Criteria. Collection method: clinical testing. Allele origin: germline.

Ambry Genetics
Classification: Likely benign for Maturity-onset diabetes of the young. Last evaluated: 2016-08-08. Review status: criteria provided, single submitter. Criteria: Ambry Variant Classification Scheme 2023. Collection method: clinical testing. Allele origin: germline.

Breakthrough Genomics
Classification: Benign. Review status: criteria provided, single submitter. Criteria: ACMG Guidelines, 2015. Collection method: not provided. Allele origin: germline. Inheritance: Autosomal dominant inheritance. Affected: yes.

Clinical Genomics, Uppaluri K&H Personalized Medicine Clinic
Classification: Likely benign for Maturity-onset diabetes of the young. Review status: criteria provided, single submitter. Criteria: K & H Uppaluri Personalized Medicine Clinic Variant Classification & Assertion Criteria_Updated V.1. Collection method: research. Allele origin: unknown. Inheritance: Autosomal dominant inheritance.
Comment: Potent mutations in HNF4A are associated with poor insulin secretion in response to hyperglycemia. Associated with MODY1. Patients initially respond well to sulfonylureas but eventually become insulin dependent. However, more evidence is required to ascertain the role of this particular variant rs150247632 in MODY, yet.

PreventionGenetics, part of Exact Sciences
Classification: Likely benign for HNF4A-related condition. Last evaluated: 2022-05-27. Review status: no assertion criteria provided. Collection method: clinical testing. Allele origin: germline. Not counted in ClinVar's aggregate classification.
Comment: This variant is classified as likely benign based on ACMG/AMP sequence variant interpretation guidelines (Richards et al. 2015 PMID: 25741868, with internal and published modifications).

Genetic Services Laboratory, University of Chicago
Classification: Benign. Last evaluated: 2022-05-26. Review status: no assertion criteria provided. Collection method: clinical testing. Allele origin: germline. Affected: no. Not counted in ClinVar's aggregate classification.

Literature cited by the submitters: DOI 10.1159/000334532 (cited by Clinical Genomics, Uppaluri K&H Personalized Medicine Clinic); PubMed 18268044 (cited by Clinical Genomics, Uppaluri K&H Personalized Medicine Clinic); PubMed 17563455 (cited by Clinical Genomics, Uppaluri K&H Personalized Medicine Clinic); PubMed 32583173 (cited by Clinical Genomics, Uppaluri K&H Personalized Medicine Clinic); PubMed 35052457 (cited by Clinical Genomics, Uppaluri K&H Personalized Medicine Clinic); PubMed 35118593 (cited by Clinical Genomics, Uppaluri K&H Personalized Medicine Clinic).